The following is an entry in ClinVar:

NM_001367624.2(ZNF469):c.11276G>C (p.Ser3759Thr)

Gene: ZNF469 (zinc finger protein 469; plus strand). Cytogenetic location: 16q24.2.
Variant type: single nucleotide variant.
Coding change: c.11276G>C on transcript NM_001367624.2 (MANE Select); coding-DNA position 11276, G replaced by C.
Protein change: p.Ser3759Thr; replaces serine 3759 with threonine.
Molecular consequence: missense variant.
Genome position (GRCh38, 1-based): chr16:88,438,746, G>C. VCF-style: chr16-88438746-G-C. GRCh37 (hg19) VCF-style: chr16-88505154-G-C.
Other names: NM_001127464.1:c.11192G>C; short protein forms S3759T.
Identifiers: ClinVar variation 1806776 (VCV001806776.3), dbSNP rs1906786041, ClinGen allele CA397129586.

ClinVar aggregate classification (germline): Uncertain significance. Review status: criteria provided, multiple submitters, no conflicts (2 of 4 stars). 3 submissions from 3 submitters: Uncertain significance (3). Last evaluated 2025-10-09.

Conditions:
Cardiovascular phenotype. Identifiers: MedGen CN230736.

Allele frequency attached by ClinVar (database versions not stated): TOPMed below 0.00001; gnomAD exomes 0.00001.

Submissions (3):

Women's Health and Genetics/Laboratory Corporation of America, LabCorp
Classification: Uncertain significance. Last evaluated: 2025-10-09. Review status: criteria provided, single submitter. Criteria: LabCorp Variant Classification Summary - May 2015. Collection method: clinical testing. Allele origin: germline.
Comment: Variant summary: ZNF469 c.11276G>C (p.Ser3759Thr) results in a conservative amino acid change in the encoded protein sequence. Algorithms developed to predict the effect of missense changes on protein structure and function are either unavailable or do not agree on the potential impact of this missense change. The variant was absent in 149738 control chromosomes. The available data on variant occurrences in the general population are insufficient to allow any conclusion about variant significance. To our knowledge, no occurrence of c.11276G>C in individuals affected with ZNF469-related conditions and no experimental evidence demonstrating its impact on protein function have been reported. ClinVar contains an entry for this variant (Variation ID: 1806776). Based on the evidence outlined above, the variant was classified as uncertain significance.

Ambry Genetics
Classification: Uncertain significance for Cardiovascular phenotype. Last evaluated: 2024-03-13. Review status: criteria provided, single submitter. Criteria: Ambry Variant Classification Scheme 2023. Collection method: clinical testing. Allele origin: germline.
Comment: The p.S3731T variant (also known as c.11192G>C), located in coding exon 2 of the ZNF469 gene, results from a G to C substitution at nucleotide position 11192. The serine at codon 3731 is replaced by threonine, an amino acid with similar properties. This amino acid position is conserved. In addition, this alteration is predicted to be tolerated by in silico analysis. Based on the available evidence, the clinical significance of this alteration remains unclear.

GeneDx
Classification: Uncertain significance. Last evaluated: 2022-12-23. Review status: criteria provided, single submitter. Criteria: GeneDx Variant Classification Process June 2021. Collection method: clinical testing. Allele origin: germline. Affected: yes.
Comment: Has not been previously published as pathogenic or benign to our knowledge; Not observed in large population cohorts (gnomAD); In silico analysis supports that this missense variant does not alter protein structure/function